The following is an entry in ClinVar:

ClinVar aggregate classification (germline): Pathogenic (1 of 4 stars; one submission).

Conditions:
Marfan syndrome (MFS). Also called: MARFAN SYNDROME, TYPE I; Marfan syndrome type 1; Marfan's syndrome; Marfan syndrome, classic; FBN1-Related Marfan Syndrome. Identifiers: Orphanet 284963, Orphanet 558, MedGen C0024796, MONDO:0007947, OMIM 154700.
Familial thoracic aortic aneurysm and aortic dissection (TAAD). Also called: Thoracic aortic aneurysms and dissections. Identifiers: Orphanet 91387, MedGen C4707243, MONDO:0019625.

Submission:

Labcorp Genetics (formerly Invitae), Labcorp
Classification: Pathogenic for Marfan syndrome; Familial thoracic aortic aneurysm and aortic dissection. Last evaluated: 2021-11-13. Review status: criteria provided, single submitter. Criteria: Invitae Variant Classification Sherloc (09022015). Collection method: clinical testing. Allele origin: germline.
Comment: For these reasons, this variant has been classified as Pathogenic. This variant has not been reported in the literature in individuals affected with FBN1-related conditions. This variant is not present in population databases (gnomAD no frequency). This sequence change creates a premature translational stop signal (p.Thr2520*) in the FBN1 gene. It is expected to result in an absent or disrupted protein product. Loss-of-function variants in FBN1 are known to be pathogenic (PMID: 17657824, 19293843).

Literature cited by the submitters: PubMed 17657824; PubMed 19293843.

NM_000138.5(FBN1):c.7558_7568del (p.His2519_Thr2520insTer)

Gene: FBN1 (fibrillin 1; minus strand). Cytogenetic location: 15q21.1.
Variant type: Deletion.
Coding change: c.7558_7568del on transcript NM_000138.5 (MANE Select); coding-DNA positions 7558 to 7568, 11 bases deleted (ACGTCCTGCAT).
Protein change: p.His2519_Thr2520insTer.
Molecular consequence: nonsense.
Genome position (GRCh38, 1-based): chr15:48,421,954-48,421,964, ATGCAGGACGT deleted on the plus strand (ACGTCCTGCAT on the coding strand, the reverse complement: FBN1 is on the minus strand); deleting any 11 consecutive bases within chr15:48,421,954-48,421,967 gives the same sequence; the c. name uses the placement nearest the transcript's 3' end. VCF-style (leftmost placement, unchanged base first): chr15-48421953-AATGCAGGACGT-A. GRCh37 (hg19) VCF-style: chr15-48714150-AATGCAGGACGT-A.
Identifiers: ClinVar variation 1450059 (VCV001450059.6), dbSNP rs2141222379, ClinGen allele CA2573150912.